The following is an entry in ClinVar:

NM_004612.4(TGFBR1):c.1447C>T (p.Leu483Phe)

Gene: TGFBR1 (transforming growth factor beta receptor 1; plus strand). Cytogenetic location: 9q22.33.
Variant type: single nucleotide variant.
Coding change: c.1447C>T on transcript NM_004612.4 (MANE Select); coding-DNA position 1447, C replaced by T.
Protein change: p.Leu483Phe; replaces leucine 483 with phenylalanine.
Molecular consequence: missense variant.
Genome position (GRCh38, 1-based): chr9:99,149,240, C>T. VCF-style: chr9-99149240-C-T. GRCh37 (hg19) VCF-style: chr9-101911522-C-T.
Other names: c.1216C>T, p.Leu406Phe (NM_001130916.3); c.1459C>T, p.Leu487Phe (NM_001306210.2); short protein forms L483F, L406F, L487F.
Identifiers: ClinVar variation 477555 (VCV000477555.9), dbSNP rs1554702734, ClinGen allele CA374233687.

ClinVar aggregate classification (germline): Uncertain significance (1 of 4 stars; one submission).

Conditions:
Familial thoracic aortic aneurysm and aortic dissection (TAAD). Also called: Thoracic aortic aneurysms and dissections. Identifiers: Orphanet 91387, MedGen C4707243, MONDO:0019625.

Submission:

Labcorp Genetics (formerly Invitae), Labcorp
Classification: Uncertain significance for Familial thoracic aortic aneurysm and aortic dissection. Last evaluated: 2022-09-09. Review status: criteria provided, single submitter. Criteria: Invitae Variant Classification Sherloc (09022015). Collection method: clinical testing. Allele origin: germline.
Comment: This missense change has been observed in individual(s) with clinical features of TGFBR1-related conditions (Invitae). ClinVar contains an entry for this variant (Variation ID: 477555). Advanced modeling of protein sequence and biophysical properties (such as structural, functional, and spatial information, amino acid conservation, physicochemical variation, residue mobility, and thermodynamic stability) performed at Invitae indicates that this missense variant is expected to disrupt TGFBR1 protein function. In summary, the available evidence is currently insufficient to determine the role of this variant in disease. Therefore, it has been classified as a Variant of Uncertain Significance. This variant is not present in population databases (gnomAD no frequency). This sequence change replaces leucine, which is neutral and non-polar, with phenylalanine, which is neutral and non-polar, at codon 483 of the TGFBR1 protein (p.Leu483Phe).